The following is an entry in ClinVar:

NM_003872.3(NRP2):c.762G>A (p.Ala254=)

Gene: NRP2 (neuropilin 2; plus strand). Cytogenetic location: 2q33.3.
Variant type: single nucleotide variant.
Coding change: c.762G>A on transcript NM_003872.3 (MANE Select); coding-DNA position 762, G replaced by A.
Protein change: p.Ala254=; no amino-acid change (alanine 254 retained).
Molecular consequence: synonymous variant.
Genome position (GRCh38, 1-based): chr2:205,723,882, G>A. VCF-style: chr2-205723882-G-A. GRCh37 (hg19) VCF-style: chr2-206588606-G-A.
Other names: c.762G>A, p.Ala254= (NM_018534.4, NM_201264.2, NM_201266.2 and 2 more transcripts).
Identifiers: ClinVar variation 792930 (VCV000792930.5), dbSNP rs772945520, ClinGen allele CA2068902.
Genomic context (GRCh38, chr2:205,723,882, plus strand): 5'-ACCCTCTGAACTTCGTTCATCGACGGGGATCCTCTCCCTGACCTTTCACACGGACATGGC[G>A]GTGGCCAAGGATGGCTTCTCTGCGCGTTACTACCTGGTCCACCAAGAGCCACTAGAGAGT-3'
Protein context (NP_003863.2, residues 244-264): ILSLTFHTDM[Ala254=]VAKDGFSARY

ClinVar aggregate classification (germline): Likely benign. Review status: criteria provided, single submitter (1 of 4 stars). 2 submissions from 2 submitters: Likely benign (1). 1 of the submissions does not count toward it. Last evaluated 2018-10-24.

Conditions:
NRP2-related disorder. Also called: NRP2-related condition.

Allele frequency attached by ClinVar (database versions not stated): TOPMed 0.00002.
gnomAD v4.1: 97 of 1,614,062 alleles (0.006%); highest among the groups gnomAD compares: Admixed American, 0.0083%; no homozygotes.

Submissions (2):

Labcorp Genetics (formerly Invitae), Labcorp
Classification: Likely benign. Last evaluated: 2018-10-24. Review status: criteria provided, single submitter. Criteria: Invitae Variant Classification Sherloc (09022015). Collection method: clinical testing. Allele origin: germline.

PreventionGenetics, part of Exact Sciences
Classification: Likely benign for NRP2-related condition. Last evaluated: 2021-07-01. Review status: no assertion criteria provided. Collection method: clinical testing. Allele origin: germline. Not counted in ClinVar's aggregate classification.
Comment: This variant is classified as likely benign based on ACMG/AMP sequence variant interpretation guidelines (Richards et al. 2015 PMID: 25741868, with internal and published modifications).